The following is an entry in ClinVar:

NM_014915.3(ANKRD26):c.-120A>T

Gene: ANKRD26 (ankyrin repeat domain 26; minus strand). Cytogenetic location: 10p12.1.
Variant type: single nucleotide variant.
Coding change: c.-120A>T on transcript NM_014915.3 (MANE Select); 120 bases upstream of the start codon, A replaced by T.
Molecular consequence: 5 prime UTR variant.
Genome position (GRCh38, 1-based): chr10:27,100,446, T>A on the plus strand (A>T on the coding strand, the complement: ANKRD26 is on the minus strand). VCF-style: chr10-27100446-T-A. GRCh37 (hg19) VCF-style: chr10-27389375-T-A.
Other names: c.-120A>T (NM_001256053.2).
Identifiers: ClinVar variation 2772785 (VCV002772785.4), dbSNP rs1589393772, ClinGen allele CA2697558295.

ClinVar aggregate classification (germline): Conflicting classifications of pathogenicity. Review status: criteria provided, conflicting classifications (1 of 4 stars). 2 submissions from 2 submitters: Likely pathogenic (1); Uncertain significance (1). Last evaluated 2024-06-11.

Conditions:
ANKRD26-related disorder. Also called: ANKRD26-related condition.

Submissions (2):

Labcorp Genetics (formerly Invitae), Labcorp
Classification: Uncertain significance. Last evaluated: 2024-06-11. Review status: criteria provided, single submitter. Criteria: Invitae Variant Classification Sherloc (09022015). Collection method: clinical testing. Allele origin: germline.
Comment: This variant occurs in a non-coding region of the ANKRD26 gene. It does not change the encoded amino acid sequence of the ANKRD26 protein. This variant is not present in population databases (gnomAD no frequency). This variant has not been reported in the literature in individuals affected with ANKRD26-related conditions. In summary, the available evidence is currently insufficient to determine the role of this variant in disease. Therefore, it has been classified as a Variant of Uncertain Significance.

Blueprint Genetics
Classification: Likely pathogenic for ANKRD26-related disorders. Last evaluated: 2022-06-02. Review status: criteria provided, single submitter. Criteria: ACMG Guidelines, 2015. Collection method: clinical testing. Allele origin: germline. Affected: yes. Observed: 3 variant alleles.